The following is an entry in ClinVar:

NM_025114.4(CEP290):c.1258dup (p.Thr420fs)

Gene: CEP290 (centrosomal protein 290; minus strand). Cytogenetic location: 12q21.32.
Variant type: Duplication.
Coding change: c.1258dup on transcript NM_025114.4 (MANE Select); coding-DNA position 1258, one base duplicated (A; older notation c.1258dupA).
Protein change: p.Thr420fs; shifts the reading frame from threonine 420.
Molecular consequence: frameshift variant.
Genome position (GRCh38, 1-based): chr12:88,121,098, T duplicated on the plus strand (A on the coding strand, the reverse complement: CEP290 is on the minus strand); the first of 4 consecutive T bases (chr12:88,121,098-88,121,101); duplicating any one gives the same sequence. VCF-style (leftmost placement, unchanged base first): chr12-88121097-G-GT. GRCh37 (hg19) VCF-style: chr12-88514874-G-GT.
Other names: c.1258dup (NM_025114.3); short protein forms T420fs.
Identifiers: ClinVar variation 1074481 (VCV001074481.12), dbSNP rs868650061, ClinGen allele CA241152505.

ClinVar aggregate classification (germline): Pathogenic/Likely pathogenic. Review status: criteria provided, multiple submitters, no conflicts (2 of 4 stars). 6 submissions from 6 submitters: Pathogenic (2); Likely pathogenic (4). Last evaluated 2026-03-04.

Conditions:
CEP290-related ciliopathy. Also called: CEP290 ciliopathy. Identifiers: MedGen CN305601, MONDO:0100451.
CEP290-related disorder. Also called: CEP290-related disorders; CEP290-related condition. Identifiers: MedGen CN239314.
Nephronophthisis. Also called: Juvenile Nephronophthisis. Identifiers: Orphanet 655, MedGen C0687120, MONDO:0019005, HP:0000090.
Meckel-Gruber syndrome. Also called: Dysencephalia splachnocystica; DYSENCEPHALIA SPLANCHNOCYSTICA; GRUBER SYNDROME. Identifiers: Orphanet 564, MedGen C0265215, MONDO:0018921.
Joubert syndrome. Also called: JOUBERT-BOLTSHAUSER SYNDROME; Familial aplasia of the vermis. Identifiers: Orphanet 475, MedGen C5979921, MONDO:0018772.
Meckel syndrome, type 4 (MKS4). Also called: MECKEL-GRUBER SYNDROME, TYPE 4. Identifiers: Orphanet 564, MedGen C1970161, MONDO:0012626, OMIM 611134.
Joubert syndrome 5 (JBTS5). Identifiers: Orphanet 2318, MedGen C1857780, MONDO:0012432, OMIM 610188.
Senior-Loken syndrome 6 (SLSN6). Identifiers: Orphanet 3156, MedGen C1857779, MONDO:0012433, OMIM 610189.
Leber congenital amaurosis 10 (LCA10). Identifiers: Orphanet 65, MedGen C1857821, MONDO:0012723, OMIM 611755.
Bardet-Biedl syndrome 14 (BBS14). Identifiers: Orphanet 110, MedGen C2673874, MONDO:0014442, OMIM 615991.
Leber congenital amaurosis (LCA). Also called: Leber's amaurosis. Identifiers: Orphanet 65, MedGen C0339527, MeSH D057130, MONDO:0018998.

Submissions (6):

Myriad Genetics, Inc.
Classification: Pathogenic for CEP290-related ciliopathy. Last evaluated: 2026-03-04. Review status: criteria provided, single submitter. Criteria: Myriad Autosomal Dominant, Autosomal Recessive and X-Linked Classification Criteria (2023). Collection method: clinical testing. Allele origin: unknown.
Comment: NM_025114.3(CEP290):c.1258dupA(T420Nfs*2) is a frameshift variant classified as pathogenic in the context of CEP290-related disorders. T420Nfs*2 has not been observed in cases with relevant disease. Relevant functional assessments of this variant are not available in the literature. T420Nfs*2 has not been observed in referenced population frequency databases. In summary, NM_025114.3(CEP290):c.1258dupA(T420Nfs*2) is a frameshift variant in a gene where loss of function is a known mechanism of disease and is predicted to disrupt protein function. Please note: this variant was assessed in the context of healthy population screening.

Natera, Inc.
Classification: Likely pathogenic for Leber congenital amaurosis. Last evaluated: 2025-12-19. Review status: criteria provided, single submitter. Criteria: Natera Variant Classification Schema (03/2026). Collection method: clinical testing. Allele origin: germline.
Comment: The c.1258dup variant in CEP290 is a frameshift variant predicted to shift the reading frame beginning at codon 420 and leads to a stop codon 2 codons downstream. This variant is expected to result in nonsense mediated decay, truncation, or a dysfunctional protein product. This variant is rare in the general population with a frequency below the threshold expected for the associated phenotype(s). Given the available evidence, this variant is classified as Likely Pathogenic.

Fulgent Genetics
Classification: Likely pathogenic for Joubert syndrome 5; Senior-Loken syndrome 6; Meckel syndrome, type 4; Leber congenital amaurosis 10; Bardet-Biedl syndrome 14. Last evaluated: 2024-05-11. Review status: criteria provided, single submitter. Criteria: ACMG Guidelines, 2015. Collection method: clinical testing. Allele origin: germline.

Labcorp Genetics (formerly Invitae), Labcorp
Classification: Pathogenic for Joubert syndrome; Meckel-Gruber syndrome; Nephronophthisis. Last evaluated: 2024-03-16. Review status: criteria provided, single submitter. Criteria: Invitae Variant Classification Sherloc (09022015). Collection method: clinical testing. Allele origin: germline.
Comment: This sequence change creates a premature translational stop signal (p.Thr420Asnfs*2) in the CEP290 gene. It is expected to result in an absent or disrupted protein product. Loss-of-function variants in CEP290 are known to be pathogenic (PMID: 16909394, 17345604, 20690115). This variant is not present in population databases (gnomAD no frequency). This variant has not been reported in the literature in individuals affected with CEP290-related conditions. ClinVar contains an entry for this variant (Variation ID: 1074481). For these reasons, this variant has been classified as Pathogenic.

Baylor Genetics
Classification: Likely pathogenic for Bardet-Biedl syndrome 14. Last evaluated: 2023-06-05. Review status: criteria provided, single submitter. Criteria: ACMG Guidelines, 2015. Collection method: clinical testing. Allele origin: unknown.

Blueprint Genetics
Classification: Likely pathogenic for CEP290-related disorders. Last evaluated: 2022-12-02. Review status: criteria provided, single submitter. Criteria: ACMG Guidelines, 2015. Collection method: clinical testing. Allele origin: germline. Affected: yes. Observed: 1 variant allele.

Literature cited by the submitters: PubMed 16909394 (cited by Labcorp Genetics (formerly Invitae), Labcorp); PubMed 17345604 (cited by Labcorp Genetics (formerly Invitae), Labcorp); PubMed 20690115 (cited by Labcorp Genetics (formerly Invitae), Labcorp).